The following is an entry in ClinVar:

NM_000551.4(VHL):c.249C>T (p.Val83=)

Gene: VHL (von Hippel-Lindau tumor suppressor; plus strand). Cytogenetic location: 3p25.3.
Variant type: single nucleotide variant.
Coding change: c.249C>T on transcript NM_000551.4 (MANE Select); coding-DNA position 249, C replaced by T.
Protein change: p.Val83=; no amino-acid change (valine 83 retained).
Molecular consequence: synonymous variant. On other transcripts: non-coding transcript variant (1).
Genome position (GRCh38, 1-based): chr3:10,142,096, C>T. VCF-style: chr3-10142096-C-T. GRCh37 (hg19) VCF-style: chr3-10183780-C-T.
Other names: c.249C>T, p.Val83= (NM_001354723.2, NM_198156.3).
Identifiers: ClinVar variation 3761631 (VCV003761631.4).
Genomic context (GRCh38, chr3:10,142,096, plus strand): 5'-GCGCTCGGTGAACTCGCGCGAGCCCTCCCAGGTCATCTTCTGCAATCGCAGTCCGCGCGT[C>T]GTGCTGCCCGTATGGCTCAACTTCGACGGCGAGCCGCAGCCCTACCCAACGCTGCCGCCT-3'
Protein context (NP_000542.1, residues 73-93): QVIFCNRSPR[Val83=]VLPVWLNFDG

ClinVar aggregate classification (germline): Benign/Likely benign. Review status: criteria provided, multiple submitters, no conflicts (2 of 4 stars). 3 submissions from 3 submitters: Benign (1); Likely benign (2). Last evaluated 2025-08-30.

Conditions:
Von Hippel-Lindau syndrome (VHLS). Also called: von Hippel–Lindau syndrome; VHL syndrome; Von Hippel-Lindau. Identifiers: Orphanet 892, MedGen C0019562, MONDO:0008667, OMIM 193300. Disease mechanism: loss of function.
Hereditary cancer-predisposing syndrome. Also called: Tumor predisposition; Neoplastic Syndromes, Hereditary; Hereditary neoplastic syndrome; Hereditary Cancer Syndrome. Identifiers: Orphanet 140162, MedGen C0027672, MeSH D009386, MONDO:0015356.
Chuvash polycythemia. Also called: POLYCYTHEMIA, VHL-DEPENDENT. Identifiers: Orphanet 238557, MedGen C1837915, MONDO:0009892, OMIM 263400.

gnomAD v4.1: 3 of 1,604,050 alleles (0.00019%); highest among the groups gnomAD compares: Non-Finnish European, 0.00025%; no homozygotes.

Submissions (3):

Ambry Genetics
Classification: Likely benign for Hereditary cancer-predisposing syndrome. Last evaluated: 2025-08-30. Review status: criteria provided, single submitter. Criteria: Ambry Variant Classification Scheme 2023. Collection method: clinical testing. Allele origin: germline.

Myriad Genetics, Inc.
Classification: Benign for Von Hippel-Lindau syndrome. Last evaluated: 2025-06-10. Review status: criteria provided, single submitter. Criteria: Myriad Autosomal Dominant, Autosomal Recessive and X-Linked Classification Criteria (2023). Collection method: clinical testing. Allele origin: unknown.
Comment: This variant is considered benign. This variant is a silent/synonymous amino acid change and it is not expected to impact splicing.

Labcorp Genetics (formerly Invitae), Labcorp
Classification: Likely benign for Von Hippel-Lindau syndrome; Chuvash polycythemia. Last evaluated: 2025-03-30. Review status: criteria provided, single submitter. Criteria: Invitae Variant Classification Sherloc (09022015). Collection method: clinical testing. Allele origin: germline.